The following is an entry in ClinVar:

ClinVar aggregate classification (germline): Pathogenic. Review status: criteria provided, multiple submitters, no conflicts (2 of 4 stars). 7 submissions from 7 submitters: Pathogenic (6). 1 of the submissions does not count toward it. Last evaluated 2025-02-06.

Conditions:
Wilson disease (WND). Also called: Wilson's disease. Identifiers: Orphanet 905, MedGen C0019202, MONDO:0010200, OMIM 277900. Disease mechanism: loss of function.

Allele frequency attached by ClinVar (database versions not stated): gnomAD exomes below 0.00001; ExAC 0.00001.

Submissions (7):

Natera, Inc.
Classification: Pathogenic for Wilson disease. Last evaluated: 2025-02-06. Review status: criteria provided, single submitter. Criteria: Natera Variant Classification Schema (03/2026). Collection method: clinical testing. Allele origin: germline.
Comment: The c.1063C>T variant in ATP7B is a nonsense variant predicted to introduce a stop codon at amino acid 355. This variant is expected to result in nonsense mediated decay, truncation, or a dysfunctional protein product. This variant is rare in the general population with a frequency below the threshold expected for the associated phenotype(s). This variant has been observed in one or more individuals affected with the associated recessive disease, as either homozygous or compound heterozygous with a second variant (PMID: 30230192). Given the available evidence, this variant is classified as Pathogenic.

All of Us Research Program, National Institutes of Health
Classification: Pathogenic for Wilson disease. Last evaluated: 2023-05-16. Review status: criteria provided, single submitter. Criteria: ACMG Guidelines, 2015. Collection method: clinical testing. Allele origin: germline. Inheritance: Autosomal recessive inheritance. Observed: 1 variant allele, 1 heterozygote.
Comment: This variant changes 1 nucleotide in exon 2 of the ATP7B gene, creating a premature translation stop signal. This variant is expected to result in an absent or non-functional protein product. This variant has been reported in two individuals affected with Wilson disease in the literature (PMID: 16283883, 22677543). This variant has been identified in 1/249440 chromosomes in the general population by the Genome Aggregation Database (gnomAD). Loss of ATP7B function is a known mechanism of disease. Based on the available evidence, this variant is classified as Pathogenic.

This study involves interpretation of variants in research participants for the purpose of population health screening. Participant phenotype was not available at the time of variant classification. Additional details can be found in publication PMID: 35346344, PMCID: PMC8962531

CeGaT Center for Human Genetics Tuebingen
Classification: Pathogenic. Last evaluated: 2023-04-01. Review status: criteria provided, single submitter. Criteria: CeGaT Center For Human Genetics Tuebingen Variant Classification Criteria Version 2. Collection method: clinical testing. Allele origin: germline. Affected: yes. Observed: 1 variant allele.
Comment: ATP7B: PVS1, PM2, PM3

Labcorp Genetics (formerly Invitae), Labcorp
Classification: Pathogenic for Wilson disease. Last evaluated: 2023-03-27. Review status: criteria provided, single submitter. Criteria: Invitae Variant Classification Sherloc (09022015). Collection method: clinical testing. Allele origin: germline.
Comment: For these reasons, this variant has been classified as Pathogenic. ClinVar contains an entry for this variant (Variation ID: 557104). This premature translational stop signal has been observed in individual(s) with Wilson disease (PMID: 2677543, 16283883, 30230192). This variant is present in population databases (rs778490238, gnomAD 0.003%). This sequence change creates a premature translational stop signal (p.Gln355*) in the ATP7B gene. It is expected to result in an absent or disrupted protein product. Loss-of-function variants in ATP7B are known to be pathogenic (PMID: 10441329, 16283883).

GeneDx
Classification: Pathogenic. Last evaluated: 2022-07-26. Review status: criteria provided, single submitter. Criteria: GeneDx Variant Classification Process June 2021. Collection method: clinical testing. Allele origin: germline. Affected: yes.
Comment: Nonsense variant predicted to result in protein truncation or nonsense mediated decay in a gene for which loss of function is a known mechanism of disease; Not observed at significant frequency in large population cohorts (gnomAD); This variant is associated with the following publications: (PMID: 25525159, 18371106, 30230192, 22677543, 16283883)

Genome-Nilou Lab
Classification: Pathogenic for Wilson disease. Last evaluated: 2021-08-10. Review status: criteria provided, single submitter. Criteria: ACMG Guidelines, 2015. Collection method: clinical testing. Allele origin: germline. Affected: no.

Counsyl
Classification: Likely pathogenic for Wilson disease. Last evaluated: 2018-03-07. Review status: no assertion criteria provided. Collection method: clinical testing. Allele origin: unknown. Not counted in ClinVar's aggregate classification.

Literature cited by the submitters: PubMed 30230192 (cited by Natera, Inc. and Labcorp Genetics (formerly Invitae), Labcorp); PubMed 16283883 (cited by 3 submitters); PubMed 22677543 (cited by All of Us Research Program, National Institutes of Health and Counsyl); PubMed 2677543 (cited by Labcorp Genetics (formerly Invitae), Labcorp); PubMed 10441329 (cited by Labcorp Genetics (formerly Invitae), Labcorp).

NM_000053.4(ATP7B):c.1063C>T (p.Gln355Ter)

Gene: ATP7B (ATPase copper transporting beta; minus strand). Cytogenetic location: 13q14.3.
Variant type: single nucleotide variant.
Coding change: c.1063C>T on transcript NM_000053.4 (MANE Select); coding-DNA position 1063, C replaced by T.
Protein change: p.Gln355Ter; replaces glutamine 355 with a stop codon.
Molecular consequence: nonsense. On other transcripts: intron variant (1).
Genome position (GRCh38, 1-based): chr13:51,974,157, G>A on the plus strand (C>T on the coding strand, the complement: ATP7B is on the minus strand). VCF-style: chr13-51974157-G-A. GRCh37 (hg19) VCF-style: chr13-52548293-G-A.
Other names: c.1063C>T, p.Gln355Ter (NM_001005918.3, NM_001330578.2, NM_001330579.2); c.803-73C>T (NM_001243182.2); short protein forms Q355*.
Identifiers: ClinVar variation 557104 (VCV000557104.46), dbSNP rs778490238, ClinGen allele CA6989446.